The following is an entry in ClinVar:

NM_004279.3(PMPCB):c.1463G>A (p.Arg488His)

Gene: PMPCB (peptidase, mitochondrial processing subunit beta; plus strand). Cytogenetic location: 7q22.1.
Variant type: single nucleotide variant.
Coding change: c.1463G>A on transcript NM_004279.3 (MANE Select); coding-DNA position 1463, G replaced by A.
Protein change: p.Arg488His; replaces arginine 488 with histidine.
Molecular consequence: missense variant.
Genome position (GRCh38, 1-based): chr7:103,312,264, G>A. VCF-style: chr7-103312264-G-A. GRCh37 (hg19) VCF-style: chr7-102952711-G-A.
Other names: short protein forms R488H.
Identifiers: ClinVar variation 1931602 (VCV001931602.5), dbSNP rs756110915, ClinGen allele CA4418311.

ClinVar aggregate classification (germline): Uncertain significance (1 of 4 stars; one submission).

Allele frequency attached by ClinVar (database versions not stated): gnomAD 0.00001; gnomAD exomes 0.00001; ExAC 0.00002.

Submission:

Labcorp Genetics (formerly Invitae), Labcorp
Classification: Uncertain significance. Last evaluated: 2024-11-05. Review status: criteria provided, single submitter. Criteria: Invitae Variant Classification Sherloc (09022015). Collection method: clinical testing. Allele origin: germline.
Comment: This sequence change replaces arginine, which is basic and polar, with histidine, which is basic and polar, at codon 488 of the PMPCB protein (p.Arg488His). This variant is present in population databases (rs756110915, gnomAD 0.01%). This variant has not been reported in the literature in individuals affected with PMPCB-related conditions. ClinVar contains an entry for this variant (Variation ID: 1931602). An algorithm developed to predict the effect of missense changes on protein structure and function outputs the following: PolyPhen-2: "Benign". The histidine amino acid residue is found in multiple mammalian species, which suggests that this missense change does not adversely affect protein function. In summary, the available evidence is currently insufficient to determine the role of this variant in disease. Therefore, it has been classified as a Variant of Uncertain Significance.